The following is an entry in ClinVar:

ClinVar aggregate classification (germline): Uncertain significance (1 of 4 stars; one submission).

Conditions:
Congenital myopathy with internal nuclei and atypical cores. Also called: Myopathy, centronuclear, 4. Identifiers: Orphanet 319160, MedGen C4707232, MONDO:0013890, OMIM 614807.

Allele frequency attached by ClinVar (database versions not stated): TOPMed below 0.00001; gnomAD exomes 0.00001.
gnomAD v4.1: 11 of 1,548,770 alleles (0.00071%); highest among the groups gnomAD compares: Non-Finnish European, 0.00096%; no homozygotes.

Submission:

Labcorp Genetics (formerly Invitae), Labcorp
Classification: Uncertain significance for Congenital myopathy with internal nuclei and atypical cores. Last evaluated: 2019-07-30. Review status: criteria provided, single submitter. Criteria: Invitae Variant Classification Sherloc (09022015). Collection method: clinical testing. Allele origin: germline.
Comment: In summary, the available evidence is currently insufficient to determine the role of this variant in disease. Therefore, it has been classified as a Variant of Uncertain Significance. Algorithms developed to predict the effect of missense changes on protein structure and function output the following: SIFT: "Deleterious"; PolyPhen-2: "Possibly Damaging"; Align-GVGD: "Class C0". The glycine amino acid residue is found in multiple mammalian species, suggesting that this missense change does not adversely affect protein function. These predictions have not been confirmed by published functional studies and their clinical significance is uncertain. This variant has not been reported in the literature in individuals with CCDC78-related conditions. This variant is not present in population databases (ExAC no frequency). This sequence change replaces aspartic acid with glycine at codon 27 of the CCDC78 protein (p.Asp27Gly). The aspartic acid residue is moderately conserved and there is a moderate physicochemical difference between aspartic acid and glycine.

NM_001378030.1(CCDC78):c.80A>G (p.Asp27Gly)

Gene: CCDC78 (coiled-coil domain containing 78; minus strand). Cytogenetic location: 16p13.3.
Variant type: single nucleotide variant.
Coding change: c.80A>G on transcript NM_001378030.1 (MANE Select); coding-DNA position 80, A replaced by G.
Protein change: p.Asp27Gly; replaces aspartic acid 27 with glycine.
Molecular consequence: missense variant. On other transcripts: 5 prime UTR variant (1), non-coding transcript variant (5).
Genome position (GRCh38, 1-based): chr16:726,066, T>C on the plus strand (A>G on the coding strand, the complement: CCDC78 is on the minus strand). VCF-style: chr16-726066-T-C. GRCh37 (hg19) VCF-style: chr16-776066-T-C.
Other names: c.80A>G, p.Asp27Gly (NM_001378031.1, NM_001031737.3); c.-206A>G (NM_001378033.1); short protein forms D27G.
Identifiers: ClinVar variation 950865 (VCV000950865.9), dbSNP rs2040895994, ClinGen allele CA394106054.